The following is an entry in ClinVar:

NM_001849.4(COL6A2):c.1180-1G>A

Gene: COL6A2 (collagen type VI alpha 2 chain; plus strand). Cytogenetic location: 21q22.3.
Variant type: single nucleotide variant.
Coding change: c.1180-1G>A on transcript NM_001849.4 (MANE Select); the canonical splice acceptor site of the intron before coding-DNA position 1180, G replaced by A.
Molecular consequence: splice acceptor variant.
Genome position (GRCh38, 1-based): chr21:46,119,029, G>A. VCF-style: chr21-46119029-G-A. GRCh37 (hg19) VCF-style: chr21-47538943-G-A.
Other names: c.1180-1G>A (NM_058175.3, NM_058174.3).
Identifiers: ClinVar variation 2019248 (VCV002019248.11), dbSNP rs751409618, ClinGen allele CA10071762.
Genomic context (GRCh38, chr21:46,119,029, plus strand): 5'-GGCGTGACCATGCCTCAGGGCCCCTGCCTCTGGGTGACTGTGCTGTCCTCTCCTTCTTCA[G>A]GGGTATCAAGGCAACAGTGGAGCCCCAGGAAGTCCTGGTGTGAAAGGAGCCAAGGGCGGG-3'

ClinVar aggregate classification (germline): Pathogenic/Likely pathogenic. Review status: criteria provided, multiple submitters, no conflicts (2 of 4 stars). 2 submissions from 2 submitters: Pathogenic (1); Likely pathogenic (1). Last evaluated 2025-04-01.

Conditions:
Bethlem myopathy 1A. Also called: MYOPATHY, BENIGN CONGENITAL, WITH CONTRACTURES; Bethlem Muscular Dystrophy; Bethlem myopathy 1. Identifiers: Orphanet 610, MedGen CN029274, MONDO:0024530, OMIM 158810.

Allele frequency attached by ClinVar (database versions not stated): ExAC 0.00001.

Submissions (2):

CeGaT Center for Human Genetics Tuebingen
Classification: Pathogenic. Last evaluated: 2025-04-01. Review status: criteria provided, single submitter. Criteria: CeGaT Center For Human Genetics Tuebingen Variant Classification Criteria Version 2. Collection method: clinical testing. Allele origin: germline. Affected: yes. Observed: 1 variant allele.
Comment: COL6A2: PVS1, PM2

Labcorp Genetics (formerly Invitae), Labcorp
Classification: Likely pathogenic for Bethlem myopathy 1A. Last evaluated: 2023-11-10. Review status: criteria provided, single submitter. Criteria: Invitae Variant Classification Sherloc (09022015). Collection method: clinical testing. Allele origin: germline.
Comment: This sequence change affects an acceptor splice site in intron 13 of the COL6A2 gene. It is expected to disrupt RNA splicing. Variants that disrupt the donor or acceptor splice site typically lead to a loss of protein function (PMID: 16199547), and loss-of-function variants in COL6A2 are known to be disease-causing for autosomal recessive COL6A2-related conditions (PMID: 21280092, 20976770). However, certain variants affecting donor or acceptor splice sites in the triple helical domain of COL6A2 are expected to result in in-frame exon skipping and have been reported to cause autosomal dominant COL6A2-related conditions (PMID: 18366090). This variant is present in population databases (rs751409618, gnomAD 0.006%). This variant has not been reported in the literature in individuals affected with COL6A2-related conditions. ClinVar contains an entry for this variant (Variation ID: 2019248). Algorithms developed to predict the effect of sequence changes on RNA splicing suggest that this variant may disrupt the consensus splice site. In summary, the currently available evidence indicates that the variant is pathogenic, but additional data are needed to prove that conclusively. Therefore, this variant has been classified as Likely Pathogenic.

Literature cited by the submitters: PubMed 16199547 (cited by Labcorp Genetics (formerly Invitae), Labcorp); PubMed 21280092 (cited by Labcorp Genetics (formerly Invitae), Labcorp); PubMed 20976770 (cited by Labcorp Genetics (formerly Invitae), Labcorp); PubMed 18366090 (cited by Labcorp Genetics (formerly Invitae), Labcorp).